The following is an entry in ClinVar:

ClinVar aggregate classification (germline): Uncertain significance (1 of 4 stars; one submission).

Allele frequency attached by ClinVar (database versions not stated): ExAC 0.00001; TOPMed 0.00001; ESP Exome Variant Server 0.00008.
gnomAD v4.1: 4 of 1,607,008 alleles (0.00025%); highest among the groups gnomAD compares: Non-Finnish European, 0.00034%; no homozygotes.

Submission:

Labcorp Genetics (formerly Invitae), Labcorp
Classification: Uncertain significance. Last evaluated: 2025-04-30. Review status: criteria provided, single submitter. Criteria: Invitae Variant Classification Sherloc (09022015). Collection method: clinical testing. Allele origin: germline.
Comment: This sequence change replaces alanine, which is neutral and non-polar, with serine, which is neutral and polar, at codon 6 of the POLG2 protein (p.Ala6Ser). This variant is present in population databases (rs373387408, gnomAD 0.002%). This variant has not been reported in the literature in individuals affected with POLG2-related conditions. ClinVar contains an entry for this variant (Variation ID: 1979744). An algorithm developed to predict the effect of missense changes on protein structure and function (PolyPhen-2) suggests that this variant is likely to be tolerated. In summary, the available evidence is currently insufficient to determine the role of this variant in disease. Therefore, it has been classified as a Variant of Uncertain Significance.

NM_007215.4(POLG2):c.16G>T (p.Ala6Ser)

Genes: MILR1 (mast cell immunoglobulin like receptor 1; plus strand), POLG2 (DNA polymerase gamma 2, accessory subunit; minus strand). Cytogenetic location: 17q23.3.
Variant type: single nucleotide variant.
Coding change: c.16G>T on transcript NM_007215.4 (MANE Select); coding-DNA position 16, G replaced by T.
Protein change: p.Ala6Ser; replaces alanine 6 with serine.
Molecular consequence: missense variant.
Genome position (GRCh38, 1-based): chr17:64,496,953, C>A on the plus strand (G>T on the coding strand, the complement: POLG2 is on the minus strand). VCF-style: chr17-64496953-C-A. GRCh37 (hg19) VCF-style: chr17-62493071-C-A.
Other names: short protein forms A6S.
Identifiers: ClinVar variation 1979744 (VCV001979744.4), dbSNP rs373387408, ClinGen allele CA8713108.
Genomic context (GRCh38, chr17:64,496,953, plus strand): 5'-CTACTCGACCCCCAAACCCAGACAACAGGCACCTGCAGACCTTATGGCAGGCCCTGACGG[C>A]TACACGAGAGCGCATCTCTCTCCGAAGTTAAAGAGCACACTCTCCCATCACTCAACGGAT-3'
Protein context (NP_009146.2, residues 1-16): MRSRV[Ala6Ser]VRACHKVCRC